The following is an entry in ClinVar:

ClinVar aggregate classification (germline): Uncertain significance. Review status: criteria provided, multiple submitters, no conflicts (2 of 4 stars). 3 submissions from 3 submitters: Uncertain significance (3). Last evaluated 2024-12-22.

Conditions:
Juvenile myelomonocytic leukemia (JMML). Also called: LEUKEMIA, JUVENILE MYELOMONOCYTIC, SOMATIC. Identifiers: Orphanet 86834, MedGen C0349639, MONDO:0011908, OMIM 607785, HP:0012209.
Hereditary cancer-predisposing syndrome. Also called: Tumor predisposition; Hereditary Cancer Syndrome; Neoplastic Syndromes, Hereditary; Hereditary neoplastic syndrome. Identifiers: Orphanet 140162, MedGen C0027672, MeSH D009386, MONDO:0015356.
Cardiovascular phenotype. Identifiers: MedGen CN230736.
Neurofibromatosis, type 1 (NF1). Also called: Neurofibromatosis, type I; VON RECKLINGHAUSEN DISEASE; Peripheral type neurofibromatosis; NEUROFIBROMATOSIS, TYPE I, SOMATIC. Identifiers: Orphanet 636, MedGen C0027831, MONDO:0018975, OMIM 162200. Disease mechanism: loss of function.

Submissions (3):

Labcorp Genetics (formerly Invitae), Labcorp
Classification: Uncertain significance for Neurofibromatosis, type 1. Last evaluated: 2024-12-22. Review status: criteria provided, single submitter. Criteria: Invitae Variant Classification Sherloc (09022015). Collection method: clinical testing. Allele origin: germline.
Comment: This sequence change replaces glutamine, which is neutral and polar, with leucine, which is neutral and non-polar, at codon 452 of the NF1 protein (p.Gln452Leu). This variant is not present in population databases (gnomAD no frequency). This variant has not been reported in the literature in individuals affected with NF1-related conditions. ClinVar contains an entry for this variant (Variation ID: 863715). Invitae Evidence Modeling of protein sequence and biophysical properties (such as structural, functional, and spatial information, amino acid conservation, physicochemical variation, residue mobility, and thermodynamic stability) indicates that this missense variant is expected to disrupt NF1 protein function with a positive predictive value of 95%. In summary, the available evidence is currently insufficient to determine the role of this variant in disease. Therefore, it has been classified as a Variant of Uncertain Significance.

Ambry Genetics
Classification: Uncertain significance for Cardiovascular phenotype; Hereditary cancer-predisposing syndrome. Last evaluated: 2024-01-08. Review status: criteria provided, single submitter. Criteria: Ambry Variant Classification Scheme 2023. Collection method: clinical testing. Allele origin: germline.
Comment: The p.Q452L variant (also known as c.1355A>T), located in coding exon 12 of the NF1 gene, results from an A to T substitution at nucleotide position 1355. The glutamine at codon 452 is replaced by leucine, an amino acid with dissimilar properties. This amino acid position is highly conserved in available vertebrate species. In addition, this alteration is predicted to be deleterious by in silico analysis. Since supporting evidence is limited at this time, the clinical significance of this alteration remains unclear.

Baylor Genetics
Classification: Uncertain significance for Juvenile myelomonocytic leukemia. Last evaluated: 2023-07-23. Review status: criteria provided, single submitter. Criteria: ACMG Guidelines, 2015. Collection method: clinical testing. Allele origin: unknown.

NM_001042492.3(NF1):c.1355A>T (p.Gln452Leu)

Gene: NF1 (neurofibromin 1; plus strand). Cytogenetic location: 17q11.2.
Variant type: single nucleotide variant.
Coding change: c.1355A>T on transcript NM_001042492.3 (MANE Select); coding-DNA position 1355, A replaced by T.
Protein change: p.Gln452Leu; replaces glutamine 452 with leucine.
Molecular consequence: missense variant.
Genome position (GRCh38, 1-based): chr17:31,206,334, A>T. VCF-style: chr17-31206334-A-T. GRCh37 (hg19) VCF-style: chr17-29533352-A-T.
Other names: c.1355A>T, p.Gln452Leu (NM_000267.4, NM_001128147.3); short protein forms Q452L.
Identifiers: ClinVar variation 863715 (VCV000863715.10), dbSNP rs2066621372, ClinGen allele CA398999658.